The following is an entry in ClinVar:

ClinVar aggregate classification (germline): Uncertain significance (1 of 4 stars; one submission).

Conditions:
Hereditary cancer-predisposing syndrome. Also called: Tumor predisposition; Neoplastic Syndromes, Hereditary; Hereditary neoplastic syndrome; Hereditary Cancer Syndrome. Identifiers: Orphanet 140162, MedGen C0027672, MeSH D009386, MONDO:0015356.

Submission:

Ambry Genetics
Classification: Uncertain significance for Hereditary cancer-predisposing syndrome. Last evaluated: 2025-08-27. Review status: criteria provided, single submitter. Criteria: Ambry Variant Classification Scheme 2023. Collection method: clinical testing. Allele origin: germline.
Comment: The p.R36G variant (also known as c.106A>G), located in coding exon 2 of the MUTYH gene, results from an A to G substitution at nucleotide position 106. The arginine at codon 36 is replaced by glycine, an amino acid with dissimilar properties. This amino acid position is conserved. In addition, this alteration is predicted to be tolerated by in silico analysis. Based on the available evidence, the clinical significance of this variant remains unclear.

NM_001048174.2(MUTYH):c.64A>G (p.Arg22Gly)

Gene: MUTYH (mutY DNA glycosylase; minus strand). Cytogenetic location: 1p34.1.
Variant type: single nucleotide variant.
Coding change: c.64A>G on transcript NM_001048174.2 (MANE Select); coding-DNA position 64, A replaced by G.
Protein change: p.Arg22Gly; replaces arginine 22 with glycine.
Molecular consequence: missense variant. On other transcripts: 5 prime UTR variant (7), non-coding transcript variant (7).
Genome position (GRCh38, 1-based): chr1:45,334,442, T>C on the plus strand (A>G on the coding strand, the complement: MUTYH is on the minus strand). VCF-style: chr1-45334442-T-C. GRCh37 (hg19) VCF-style: chr1-45800114-T-C.
Other names: c.64A>G, p.Arg22Gly (NM_001048171.2, NM_001048172.2, NM_001048173.2 and 15 more transcripts); c.106A>G, p.Arg36Gly (NM_001128425.2, NM_001293190.2, NM_001407069.1 and 2 more transcripts); c.-149A>G (NM_001293192.2, NM_001293196.2, NM_001407091.1); c.-208A>G (NM_001350650.2); c.-144A>G (NM_001350651.2, NM_001407082.1); c.-93A>G (NM_001407075.1); c.82A>G, p.Arg28Gly (NM_001407087.1); short protein forms R22G, R28G, R36G.
Identifiers: ClinVar variation 4112979 (VCV004112979.1).